The following is an entry in ClinVar:

NM_005188.4(CBL):c.1228-20_1228-17del

Gene: CBL (Cbl proto-oncogene; plus strand). Cytogenetic location: 11q23.3.
Variant type: Deletion.
Coding change: c.1228-20_1228-17del on transcript NM_005188.4 (MANE Select); 20 bases into the intron before coding-DNA position 1228 through 17 bases into the intron before coding-DNA position 1228, 4 bases deleted (ATCT; older notation c.1228-20_1228-17delATCT).
Molecular consequence: intron variant.
Genome position (GRCh38, 1-based): chr11:119,278,490-119,278,493, ATCT deleted; deleting any 4 consecutive bases within chr11:119,278,488-119,278,493 gives the same sequence; the c. name uses the placement nearest the transcript's 3' end. VCF-style (leftmost placement, unchanged base first): chr11-119278487-ACTAT-A. GRCh37 (hg19) VCF-style: chr11-119149197-ACTAT-A.
Identifiers: ClinVar variation 992214 (VCV000992214.9), dbSNP rs370327162, ClinGen allele CA6318475.

ClinVar aggregate classification (germline): Benign/Likely benign. Review status: criteria provided, multiple submitters, no conflicts (2 of 4 stars). 3 submissions from 3 submitters: Benign (2); Likely benign (1). Last evaluated 2026-01-27.

Conditions:
RASopathy. Also called: rasopathies; Noonan spectrum disorder. Identifiers: Orphanet 536391, MedGen C5555857, MONDO:0021060.

Submissions (3):

Labcorp Genetics (formerly Invitae), Labcorp
Classification: Benign for RASopathy. Last evaluated: 2026-01-27. Review status: criteria provided, single submitter. Criteria: Invitae Variant Classification Sherloc (09022015). Collection method: clinical testing. Allele origin: germline.

Blueprint Genetics
Classification: Likely benign. Last evaluated: 2024-10-03. Review status: criteria provided, single submitter. Criteria: ACMG Guidelines, 2015. Collection method: clinical testing. Allele origin: germline.

Women's Health and Genetics/Laboratory Corporation of America, LabCorp
Classification: Benign. Last evaluated: 2020-12-28. Review status: criteria provided, single submitter. Criteria: LabCorp Variant Classification Summary - May 2015. Collection method: clinical testing. Allele origin: germline.
Comment: Variant summary: CBL c.1228-20_1228-17delATCT alters a nucleotide located close to a canonical splice site and therefore could affect mRNA splicing, leading to a significantly altered protein sequence. 4/4 computational tools predict no significant impact on normal splicing. However, these predictions have yet to be confirmed by functional studies. The variant allele was found at a frequency of 0.0002 in 282690 control chromosomes, predominantly at a frequency of 0.002 within the African or African-American subpopulation in the gnomAD database. The observed variant frequency within African or African-American control individuals in the gnomAD database is approximately 800 fold of the estimated maximal expected allele frequency for a pathogenic variant in CBL causing Noonan Syndrome-Like Disorder phenotype (2.5e-06), strongly suggesting that the variant is a benign polymorphism found primarily in populations of African or African-American origin. To our knowledge, no occurrence of c.1228-20_1228-17delATCT in individuals affected with Noonan Syndrome-Like Disorder and no experimental evidence demonstrating its impact on protein function have been reported. No clinical diagnostic laboratories have submitted clinical-significance assessments for this variant to ClinVar after 2014. Based on the evidence outlined above, the variant was classified as benign.

Literature cited by the submitters: PubMed 20951944 (cited by Women's Health and Genetics/Laboratory Corporation of America, LabCorp); PubMed 19620960 (cited by Women's Health and Genetics/Laboratory Corporation of America, LabCorp); PubMed 29296819 (cited by Women's Health and Genetics/Laboratory Corporation of America, LabCorp); PubMed 27069254 (cited by Women's Health and Genetics/Laboratory Corporation of America, LabCorp).